The following is an entry in ClinVar:

NM_000275.3(OCA2):c.1378C>T (p.Leu460Phe)

Gene: OCA2 (OCA2 melanosomal transmembrane protein; minus strand). Cytogenetic location: 15q13.1.
Variant type: single nucleotide variant.
Coding change: c.1378C>T on transcript NM_000275.3 (MANE Select); coding-DNA position 1378, C replaced by T.
Protein change: p.Leu460Phe; replaces leucine 460 with phenylalanine.
Molecular consequence: missense variant.
Genome position (GRCh38, 1-based): chr15:27,983,470, G>A on the plus strand (C>T on the coding strand, the complement: OCA2 is on the minus strand). VCF-style: chr15-27983470-G-A. GRCh37 (hg19) VCF-style: chr15-28228616-G-A.
Other names: c.1378C>T (NM_000275.2); c.1306C>T, p.Leu436Phe (NM_001300984.2); short protein forms L460F, L436F.
Identifiers: ClinVar variation 1451584 (VCV001451584.8), dbSNP rs748692597, ClinGen allele CA391359818.

ClinVar aggregate classification (germline): Conflicting classifications of pathogenicity. Review status: criteria provided, conflicting classifications (1 of 4 stars). 3 submissions from 3 submitters: Pathogenic (1); Likely pathogenic (1); Uncertain significance (1). Last evaluated 2026-01-04.

Conditions:
OCA2-related disorder. Also called: OCA2-related condition.

Allele frequency attached by ClinVar (database versions not stated): gnomAD 0.00001 and 0.00002.
gnomAD v4.1: 29 of 1,614,090 alleles (0.0018%); highest among the groups gnomAD compares: Middle Eastern, 0.016%; no homozygotes.

Submissions (3):

Labcorp Genetics (formerly Invitae), Labcorp
Classification: Pathogenic. Last evaluated: 2026-01-04. Review status: criteria provided, single submitter. Criteria: Invitae Variant Classification Sherloc (09022015). Collection method: clinical testing. Allele origin: germline.
Comment: This sequence change replaces leucine, which is neutral and non-polar, with phenylalanine, which is neutral and non-polar, at codon 460 of the OCA2 protein (p.Leu460Phe). This variant is present in population databases (no rsID available, gnomAD 0.0009%). This missense change has been observed in individuals with oculocutaneous albinism (PMID: 27734839, 29345414). ClinVar contains an entry for this variant (Variation ID: 1451584). Invitae Evidence Modeling of protein sequence and biophysical properties (such as structural, functional, and spatial information, amino acid conservation, physicochemical variation, residue mobility, and thermodynamic stability) indicates that this missense variant is expected to disrupt OCA2 protein function with a positive predictive value of 80%. For these reasons, this variant has been classified as Pathogenic.

Women's Health and Genetics/Laboratory Corporation of America, LabCorp
Classification: Uncertain significance. Last evaluated: 2025-06-27. Review status: criteria provided, single submitter. Criteria: LabCorp Variant Classification Summary - May 2015. Collection method: clinical testing. Allele origin: germline.
Comment: Variant summary: OCA2 c.1378C>T (p.Leu460Phe) results in a non-conservative amino acid change located in the Citrate transporter-like domain (IPR004680) of the encoded protein sequence. Algorithms developed to predict the effect of missense changes on protein structure and function all suggest that this variant is likely to be disruptive. The variant allele was found at a frequency of 4e-06 in 251480 control chromosomes. c.1378C>T has been observed in individuals affected with Oculocutaneous Albinism (example: Mauri_2016 and Lasseaux_2018). These data indicate that the variant may be associated with disease. To our knowledge, no experimental evidence demonstrating an impact on protein function has been reported. The following publications have been ascertained in the context of this evaluation (PMID: 29345414, 27734839). ClinVar contains an entry for this variant (Variation ID: 1451584). Based on the evidence outlined above, the variant was classified as VUS-possibly pathogenic.

Blueprint Genetics
Classification: Likely pathogenic for OCA2-related disorders. Last evaluated: 2022-09-23. Review status: criteria provided, single submitter. Criteria: ACMG Guidelines, 2015. Collection method: clinical testing. Allele origin: germline. Affected: yes. Observed: 2 variant alleles.

Literature cited by the submitters: PubMed 27734839 (cited by Labcorp Genetics (formerly Invitae), Labcorp and Women's Health and Genetics/Laboratory Corporation of America, LabCorp); PubMed 29345414 (cited by Labcorp Genetics (formerly Invitae), Labcorp and Women's Health and Genetics/Laboratory Corporation of America, LabCorp).